The following is an entry in ClinVar:

NM_018671.5(UNC45A):c.2378G>A (p.Arg793Gln)

Genes: RCCD1-AS1 (RCCD1 and UNC45A antisense RNA 1; minus strand), UNC45A (unc-45 myosin chaperone A; plus strand). Cytogenetic location: 15q26.1.
Variant type: single nucleotide variant.
Coding change: c.2378G>A on transcript NM_018671.5 (MANE Select); coding-DNA position 2378, G replaced by A.
Protein change: p.Arg793Gln; replaces arginine 793 with glutamine.
Molecular consequence: missense variant. On other transcripts: non-coding transcript variant (1).
Genome position (GRCh38, 1-based): chr15:90,953,003, G>A. VCF-style: chr15-90953003-G-A. GRCh37 (hg19) VCF-style: chr15-91496233-G-A.
Other names: c.2333G>A, p.Arg778Gln (NM_001039675.2, NM_001323621.2); c.2378G>A, p.Arg793Gln (NM_001323619.1); c.1943G>A, p.Arg648Gln (NM_001323620.2); short protein forms R778Q, R793Q, R648Q.
Identifiers: ClinVar variation 1422171 (VCV001422171.5), dbSNP rs149872991, ClinGen allele CA7743281.

ClinVar aggregate classification (germline): Uncertain significance. Review status: criteria provided, multiple submitters, no conflicts (2 of 4 stars). 3 submissions from 3 submitters: Uncertain significance (3). Last evaluated 2026-05-13.

Conditions:
UNC45A-related disorder. Also called: UNC45A-related condition.

Allele frequency attached by ClinVar (database versions not stated): 1000 Genomes Project 30x 0.00016; 1000 Genomes Project 0.00020; gnomAD exomes 0.00057 and 0.00061; ESP Exome Variant Server 0.00062; ExAC 0.00064; gnomAD 0.00073 and 0.00088; TOPMed 0.00100.
gnomAD v4.1: 961 of 1,613,514 alleles (0.06%); highest among the groups gnomAD compares: Middle Eastern, 0.15%; no homozygotes.

Submissions (3):

PreventionGenetics, part of Exact Sciences
Classification: Uncertain significance for UNC45A-related condition. Last evaluated: 2026-05-13. Review status: criteria provided, single submitter. Criteria: ACMG Guidelines, 2015. Collection method: clinical testing. Allele origin: germline.
Comment: The UNC45A c.2378G>A variant is predicted to result in the amino acid substitution p.Arg793Gln. To our knowledge, this variant has not been reported in the literature. This variant is reported in 0.095% of alleles in individuals of European (Non-Finnish) descent in gnomAD. Although we suspect that this variant may be benign, at this time, the clinical significance of this variant is uncertain due to the absence of conclusive functional and genetic evidence.

Labcorp Genetics (formerly Invitae), Labcorp
Classification: Uncertain significance. Last evaluated: 2022-10-25. Review status: criteria provided, single submitter. Criteria: Invitae Variant Classification Sherloc (09022015). Collection method: clinical testing. Allele origin: germline.
Comment: This sequence change replaces arginine, which is basic and polar, with glutamine, which is neutral and polar, at codon 793 of the UNC45A protein (p.Arg793Gln). This variant is present in population databases (rs149872991, gnomAD 0.09%), and has an allele count higher than expected for a pathogenic variant. This variant has not been reported in the literature in individuals affected with UNC45A-related conditions. ClinVar contains an entry for this variant (Variation ID: 1422171). Experimental studies and prediction algorithms are not available or were not evaluated, and the functional significance of this variant is currently unknown. In summary, the available evidence is currently insufficient to determine the role of this variant in disease. Therefore, it has been classified as a Variant of Uncertain Significance.

Breakthrough Genomics
Classification: Uncertain significance. Review status: criteria provided, single submitter. Criteria: ACMG Guidelines, 2015. Collection method: not provided. Allele origin: germline. Inheritance: Autosomal recessive inheritance. Affected: yes.